The following is an entry in ClinVar:

ClinVar aggregate classification (germline): Conflicting classifications of pathogenicity. Review status: criteria provided, conflicting classifications (1 of 4 stars). 7 submissions from 7 submitters: Uncertain significance (4); Likely benign (2). 1 of the submissions does not count toward it. Last evaluated 2026-01-25.

Conditions:
BRCA1-related cancer predisposition. Identifiers: MedGen CN377757, MONDO:0700268.
Hereditary cancer-predisposing syndrome. Also called: Tumor predisposition; Hereditary neoplastic syndrome; Hereditary Cancer Syndrome; Neoplastic Syndromes, Hereditary. Identifiers: Orphanet 140162, MedGen C0027672, MeSH D009386, MONDO:0015356.
Hereditary breast ovarian cancer syndrome. Also called: Hereditary breast and/or ovarian cancer syndrome; Breast and ovarian cancer; Hereditary breast and ovarian cancer syndrome; Hereditary breast and ovarian cancer; Hereditary breast and ovarian cancer syndrome (HBOC); BRCA1- and BRCA2-Associated Hereditary Breast and Ovarian Cancer. Identifiers: Orphanet 145, MedGen C0677776, MeSH D061325, MONDO:0003582. Disease mechanism: loss of function.
Breast-ovarian cancer, familial, susceptibility to, 1 (BROVCA1). Also called: BRCA1 Hereditary Breast and Ovarian Cancer; OVARIAN CANCER, SUSCEPTIBILITY TO. Identifiers: Orphanet 145, MedGen C2676676, MONDO:0011450, OMIM 604370. Disease mechanism: loss of function.

Allele frequency attached by ClinVar (database versions not stated): gnomAD exomes below 0.00001; TOPMed below 0.00001; gnomAD 0.00001.
gnomAD v4.1: 3 of 1,613,750 alleles (0.00019%); highest among the groups gnomAD compares: Non-Finnish European, 0.00025%; no homozygotes.

Submissions (7):

Labcorp Genetics (formerly Invitae), Labcorp
Classification: Likely benign for Hereditary breast ovarian cancer syndrome. Last evaluated: 2026-01-25. Review status: criteria provided, single submitter. Criteria: Invitae Variant Classification Sherloc (09022015). Collection method: clinical testing. Allele origin: germline.

Women's Health and Genetics/Laboratory Corporation of America, LabCorp
Classification: Uncertain significance. Last evaluated: 2025-12-30. Review status: criteria provided, single submitter. Criteria: LabCorp Variant Classification Summary - May 2015. Collection method: clinical testing. Allele origin: germline.
Comment: Variant summary: BRCA1 c.2690C>T (p.Pro897Leu) results in a non-conservative amino acid change in the encoded protein sequence. Algorithms developed to predict the effect of missense changes on protein structure and function are either unavailable or do not agree on the potential impact of this missense change. The variant was absent in 250908 control chromosomes. The available data on variant occurrences in the general population are insufficient to allow any conclusion about variant significance. c.2690C>T has been reported in the literature in a family affected with Hereditary Breast and Ovarian Cancer (Wagner_1998). This report does not provide unequivocal conclusions about association of the variant with Hereditary Breast and Ovarian Cancer. To our knowledge, no experimental evidence demonstrating an impact on protein function has been reported. The following publications have been ascertained in the context of this evaluation (PMID: 9663595, 17543120, 34953602, 28467829). ClinVar contains an entry for this variant (Variation ID: 156188). Based on the evidence outlined above, the variant was classified as uncertain significance.

Ambry Genetics
Classification: Uncertain significance for Hereditary cancer-predisposing syndrome. Last evaluated: 2025-11-23. Review status: criteria provided, single submitter. Criteria: Ambry Variant Classification Scheme 2023. Collection method: clinical testing. Allele origin: germline.
Comment: The p.P897L variant (also known as c.2690C>T), located in coding exon 9 of the BRCA1 gene, results from a C to T substitution at nucleotide position 2690. The proline at codon 897 is replaced by leucine, an amino acid with similar properties. This alteration was detected in 1/86 hereditary breast and ovarian cancer families from Austria, and it was classified as a variant of unknown biological significance (Wagner TM et al. Int. J. Cancer, 1998 Jul;77:354-60). This amino acid position is well conserved in available vertebrate species. In addition, the in silico prediction for this alteration is inconclusive. Since supporting evidence is limited at this time, the clinical significance of this alteration remains unclear.

All of Us Research Program, National Institutes of Health
Classification: Uncertain significance for BRCA1-related cancer predisposition. Last evaluated: 2024-06-17. Review status: criteria provided, single submitter. Criteria: ACMG Guidelines, 2015. Collection method: clinical testing. Allele origin: germline. Inheritance: Autosomal dominant inheritance. Observed: 1 variant allele, 1 heterozygote.
Comment: This missense variant replaces proline with leucine at codon 897 of the BRCA1 protein. Computational prediction suggests that this variant may not impact protein structure and function (internally defined REVEL score threshold <= 0.5, PMID: 27666373). To our knowledge, functional studies have not been reported for this variant. This variant has been reported in a family affected with hereditary breast and ovarian cancer (PMID: 9663595). This variant has not been identified in the general population by the Genome Aggregation Database (gnomAD). The available evidence is insufficient to determine the role of this variant in disease conclusively. Therefore, this variant is classified as a Variant of Uncertain Significance.

This study involves interpretation of variants in research participants for the purpose of population health screening. Participant phenotype was not available at the time of variant classification. Additional details can be found in publication PMID: 35346344, PMCID: PMC8962531

Color Diagnostics, LLC DBA Color Health
Classification: Uncertain significance for Hereditary cancer-predisposing syndrome. Last evaluated: 2024-06-05. Review status: criteria provided, single submitter. Criteria: ACMG Guidelines, 2015. Collection method: clinical testing. Allele origin: germline.
Comment: This missense variant replaces proline with leucine at codon 897 of the BRCA1 protein. Computational prediction suggests that this variant may not impact protein structure and function. To our knowledge, functional studies have not been reported for this variant. This variant has been reported in a family affected with hereditary breast and ovarian cancer (PMID: 9663595). This variant has not been identified in the general population by the Genome Aggregation Database (gnomAD). The available evidence is insufficient to determine the role of this variant in disease conclusively. Therefore, this variant is classified as a Variant of Uncertain Significance.

University of Washington Department of Laboratory Medicine, University of Washington
Classification: Likely benign for Hereditary cancer-predisposing syndrome. Last evaluated: 2023-03-23. Review status: criteria provided, single submitter. Criteria: Dines et al. (Genet Med. 2020). Collection method: curation. Allele origin: germline.
Comment: Missense variant in a coldspot region where missense variants are very unlikely to be pathogenic (PMID:31911673).

BRCA1 coldspot (exon 11 using historical exon numbering). Reclassification based on statistical prior probability

Sharing Clinical Reports Project (SCRP)
Classification: Likely benign for Breast-ovarian cancer, familial 1. Last evaluated: 2013-11-19. Review status: no assertion criteria provided. Collection method: clinical testing. Allele origin: germline. Not counted in ClinVar's aggregate classification.

Literature cited by the submitters: PubMed 9663595 (cited by 4 submitters); PubMed 28467829 (cited by Women's Health and Genetics/Laboratory Corporation of America, LabCorp); PubMed 34953602 (cited by Women's Health and Genetics/Laboratory Corporation of America, LabCorp); PubMed 17543120 (cited by Women's Health and Genetics/Laboratory Corporation of America, LabCorp).

NM_007294.4(BRCA1):c.2690C>T (p.Pro897Leu)

Gene: BRCA1 (BRCA1 DNA repair associated; minus strand). Cytogenetic location: 17q21.31.
Variant type: single nucleotide variant.
Coding change: c.2690C>T on transcript NM_007294.4 (MANE Select); coding-DNA position 2690, C replaced by T.
Protein change: p.Pro897Leu; replaces proline 897 with leucine.
Molecular consequence: missense variant. On other transcripts: intron variant (137).
Genome position (GRCh38, 1-based): chr17:43,092,841, G>A on the plus strand (C>T on the coding strand, the complement: BRCA1 is on the minus strand). VCF-style: chr17-43092841-G-A. GRCh37 (hg19) VCF-style: chr17-41244858-G-A.
Other names: 2809C>T; c.2477C>T, p.Pro826Leu (NM_001407571.1, NM_001407915.1, NM_001407853.1 and 9 more transcripts); c.2690C>T, p.Pro897Leu (NM_001407581.1, NM_001407582.1, NM_001407583.1 and 30 more transcripts); c.2687C>T, p.Pro896Leu (NM_001407587.1, NM_001407590.1, NM_001407591.1 and 22 more transcripts); c.2564C>T, p.Pro855Leu (NM_001407649.1, NM_001407670.1, NM_001407671.1 and 11 more transcripts); c.2612C>T, p.Pro871Leu (NM_001407653.1, NM_001407654.1, NM_001407655.1 and 4 more transcripts); c.2609C>T, p.Pro870Leu (NM_001407659.1, NM_001407660.1, NM_001407661.1 and 1 more transcripts); c.2567C>T, p.Pro856Leu (NM_001407674.1, NM_001407675.1, NM_001407676.1 and 19 more transcripts); and 42 more; short protein forms P897L, P850L, P769L, P785L, P809L, P829L, P830L, P896L.
Identifiers: ClinVar variation 156188 (VCV000156188.22), dbSNP rs587776484, ClinGen allele CA001772.